The following is an entry in ClinVar:

NM_006016.6(CD164):c.209G>A (p.Cys70Tyr)

Gene: CD164 (CD164 molecule; minus strand). Cytogenetic location: 6q21.
Variant type: single nucleotide variant.
Coding change: c.209G>A on transcript NM_006016.6 (MANE Select); coding-DNA position 209, G replaced by A.
Protein change: p.Cys70Tyr; replaces cysteine 70 with tyrosine.
Molecular consequence: missense variant.
Genome position (GRCh38, 1-based): chr6:109,379,629, C>T on the plus strand (G>A on the coding strand, the complement: CD164 is on the minus strand). VCF-style: chr6-109379629-C-T. GRCh37 (hg19) VCF-style: chr6-109700832-C-T.
Other names: c.209G>A, p.Cys70Tyr (NM_001142401.3, NM_001142402.3, NM_001142403.3 and 1 more transcripts); c.107G>A, p.Cys36Tyr (NM_001346500.2); short protein forms C70Y, C36Y.
Identifiers: ClinVar variation 514693 (VCV000514693.1), dbSNP rs1270280249, ClinGen allele CA365198807.

ClinVar aggregate classification (germline): Likely benign (1 of 4 stars; one submission).

Allele frequency attached by ClinVar (database versions not stated): gnomAD exomes below 0.00001 and 0.00001; TOPMed below 0.00001; gnomAD 0.00001.
gnomAD v4.1: 4 of 1,613,380 alleles (0.00025%); highest among the groups gnomAD compares: Non-Finnish European, 0.00034%; no homozygotes.

Submission:

GeneDx
Classification: Likely benign. Last evaluated: 2018-02-07. Review status: criteria provided, single submitter. Criteria: GeneDx Variant Classification (06012015). Collection method: clinical testing. Allele origin: germline. Affected: yes.
Comment: This variant is considered likely benign or benign based on one or more of the following criteria: it is a conservative change, it occurs at a poorly conserved position in the protein, it is predicted to be benign by multiple in silico algorithms, and/or has population frequency not consistent with disease.